The following is an entry in ClinVar:

ClinVar aggregate classification (germline): Uncertain significance. Review status: criteria provided, multiple submitters, no conflicts (2 of 4 stars). 2 submissions from 2 submitters: Uncertain significance (2). Last evaluated 2025-09-20.

Conditions:
RAD51B-related cancer predisposition.

gnomAD v4.1: 28 of 1,606,602 alleles (0.0017%); highest among the groups gnomAD compares: Non-Finnish European, 0.0024%; no homozygotes.

Submissions (2):

Mayo Clinic Laboratories, Mayo Clinic
Classification: Uncertain significance. Last evaluated: 2025-09-20. Review status: criteria provided, single submitter. Criteria: ACMG Guidelines, 2015. Collection method: clinical testing. Allele origin: germline. Observed: 1 variant allele.
Comment: PP3

Institute for Genomic Medicine (IGM) Clinical Laboratory, Nationwide Children's Hospital
Classification: Uncertain significance for RAD51B-related cancer predisposition. Last evaluated: 2025-05-28. Review status: criteria provided, single submitter. Criteria: ACMG Guidelines, 2015. Collection method: clinical testing. Allele origin: germline.
Comment: This variant is absent from or present at an exceedingly low frequency in gnomAD, a large-scale control population database (ACMG/AMP: PM2).

NM_133510.4(RAD51B):c.315+2T>A

Gene: RAD51B (RAD51 paralog B; plus strand). Cytogenetic location: 14q24.1.
Variant type: single nucleotide variant.
Coding change: c.315+2T>A on transcript NM_133510.4 (MANE Select); the canonical splice donor site of the intron after coding-DNA position 315, T replaced by A.
Molecular consequence: splice donor variant.
Genome position (GRCh38, 1-based): chr14:67,835,198, T>A. VCF-style: chr14-67835198-T-A. GRCh37 (hg19) VCF-style: chr14-68301915-T-A.
Other names: c.315+2T>A (NM_001321818.2, NM_001321809.2, NM_001321821.2 and 6 more transcripts); c.-141+2T>A (NM_001321817.2); c.201+2T>A (NM_001321815.1).
Identifiers: ClinVar variation 4541874 (VCV004541874.2).